The following is an entry in ClinVar:

NM_020433.5(JPH2):c.899G>A (p.Arg300His)

Gene: JPH2 (junctophilin 2; minus strand). Cytogenetic location: 20q13.12.
Variant type: single nucleotide variant.
Coding change: c.899G>A on transcript NM_020433.5 (MANE Select); coding-DNA position 899, G replaced by A.
Protein change: p.Arg300His; replaces arginine 300 with histidine.
Molecular consequence: missense variant.
Genome position (GRCh38, 1-based): chr20:44,159,888, C>T on the plus strand (G>A on the coding strand, the complement: JPH2 is on the minus strand). VCF-style: chr20-44159888-C-T. GRCh37 (hg19) VCF-style: chr20-42788528-C-T.
Other names: short protein forms R300H.
Identifiers: ClinVar variation 2794946 (VCV002794946.4), dbSNP rs2072594403, ClinGen allele CA409093429.

ClinVar aggregate classification (germline): Uncertain significance. Review status: criteria provided, multiple submitters, no conflicts (2 of 4 stars). 2 submissions from 2 submitters: Uncertain significance (2). Last evaluated 2026-06-18.

Conditions:
Cardiovascular phenotype. Identifiers: MedGen CN230736.
Hypertrophic cardiomyopathy. Also called: HYPERTROPHIC MYOCARDIOPATHY. Identifiers: Orphanet 217569, MedGen C0007194, MeSH D002312, MONDO:0005045, HP:0001639.

gnomAD v4.1: 2 of 1,613,284 alleles (0.00012%); highest among the groups gnomAD compares: Non-Finnish European, 0.00017%; no homozygotes.

Submissions (2):

Ambry Genetics
Classification: Uncertain significance for Cardiovascular phenotype. Last evaluated: 2026-06-18. Review status: criteria provided, single submitter. Criteria: Ambry Variant Classification Scheme 2023. Collection method: clinical testing. Allele origin: germline.
Comment: The p.R300H variant (also known as c.899G>A), located in coding exon 2 of the JPH2 gene, results from a G to A substitution at nucleotide position 899. The arginine at codon 300 is replaced by histidine, an amino acid with highly similar properties. This amino acid position is conserved. In addition, the in silico prediction for this alteration is inconclusive. Based on the available evidence, the clinical significance of this variant remains unclear.

Labcorp Genetics (formerly Invitae), Labcorp
Classification: Uncertain significance for Hypertrophic cardiomyopathy. Last evaluated: 2022-12-27. Review status: criteria provided, single submitter. Criteria: Invitae Variant Classification Sherloc (09022015). Collection method: clinical testing. Allele origin: germline.
Comment: In summary, the available evidence is currently insufficient to determine the role of this variant in disease. Therefore, it has been classified as a Variant of Uncertain Significance. Algorithms developed to predict the effect of missense changes on protein structure and function are either unavailable or do not agree on the potential impact of this missense change (SIFT: "Deleterious"; PolyPhen-2: "Probably Damaging"; Align-GVGD: "Class C0"). This variant has not been reported in the literature in individuals affected with JPH2-related conditions. This variant is not present in population databases (gnomAD no frequency). This sequence change replaces arginine, which is basic and polar, with histidine, which is basic and polar, at codon 300 of the JPH2 protein (p.Arg300His).